The following is an entry in ClinVar:

ClinVar aggregate classification (germline): Uncertain significance (1 of 4 stars; one submission).

Conditions:
Cardiovascular phenotype. Identifiers: MedGen CN230736.

Allele frequency attached by ClinVar (database versions not stated): gnomAD 0.00002; gnomAD exomes 0.00002; TOPMed 0.00003.
gnomAD v4.1: 36 of 1,549,434 alleles (0.0023%); highest among the groups gnomAD compares: Non-Finnish European, 0.0031%; no homozygotes.

Submission:

Ambry Genetics
Classification: Uncertain significance for Cardiovascular phenotype. Last evaluated: 2023-05-12. Review status: criteria provided, single submitter. Criteria: Ambry Variant Classification Scheme 2023. Collection method: clinical testing. Allele origin: germline.
Comment: The p.A2639V variant (also known as c.7916C>T), located in coding exon 2 of the ZNF469 gene, results from a C to T substitution at nucleotide position 7916. The alanine at codon 2639 is replaced by valine, an amino acid with similar properties. This amino acid position is conserved. In addition, this alteration is predicted to be tolerated by in silico analysis. Since supporting evidence is limited at this time, the clinical significance of this alteration remains unclear.

NM_001367624.2(ZNF469):c.8000C>T (p.Ala2667Val)

Gene: ZNF469 (zinc finger protein 469; plus strand). Cytogenetic location: 16q24.2.
Variant type: single nucleotide variant.
Coding change: c.8000C>T on transcript NM_001367624.2 (MANE Select); coding-DNA position 8000, C replaced by T.
Protein change: p.Ala2667Val; replaces alanine 2667 with valine.
Molecular consequence: missense variant.
Genome position (GRCh38, 1-based): chr16:88,435,470, C>T. VCF-style: chr16-88435470-C-T. GRCh37 (hg19) VCF-style: chr16-88501878-C-T.
Other names: NM_001127464.1:c.7916C>T; short protein forms A2667V.
Identifiers: ClinVar variation 2564247 (VCV002564247.2), dbSNP rs957240674, ClinGen allele CA286383396.